The following is an entry in ClinVar:

NM_001105206.3(LAMA4):c.4171T>C (p.Tyr1391His)

Gene: LAMA4 (laminin subunit alpha 4; minus strand). Cytogenetic location: 6q21.
Variant type: single nucleotide variant.
Coding change: c.4171T>C on transcript NM_001105206.3 (MANE Select); coding-DNA position 4171, T replaced by C.
Protein change: p.Tyr1391His; replaces tyrosine 1391 with histidine.
Molecular consequence: missense variant.
Genome position (GRCh38, 1-based): chr6:112,129,038, A>G on the plus strand (T>C on the coding strand, the complement: LAMA4 is on the minus strand). VCF-style: chr6-112129038-A-G. GRCh37 (hg19) VCF-style: chr6-112450240-A-G.
Other names: c.4150T>C, p.Tyr1384His (NM_001105207.3, NM_002290.5); short protein forms Y1391H, Y1384H.
Identifiers: ClinVar variation 702201 (VCV000702201.16), dbSNP rs201094782, ClinGen allele CA3965040.
Genomic context (GRCh38, chr6:112,129,038, plus strand): 5'-GAAACAATGGTGAAGACTCAATGGGACACTCATAAAGAGAAGTGTGGACCTTTTCAGTAT[A>G]CCGTTGGAAATCTTCAACCTCCACATCTCTATCCACCCTGTGTTTGTAACAGAGGAAAAA-3'
Protein context (NP_001098676.2, residues 1381-1401): RDVEVEDFQR[Tyr1391His]TEKVHTSLYE

ClinVar aggregate classification (germline): Conflicting classifications of pathogenicity. Review status: criteria provided, conflicting classifications (1 of 4 stars). 4 submissions from 4 submitters: Uncertain significance (1); Likely benign (2). 1 of the submissions does not count toward it. Last evaluated 2025-07-25.

Conditions:
LAMA4-related disorder. Also called: LAMA4-related condition.
Cardiovascular phenotype. Identifiers: MedGen CN230736.
Dilated cardiomyopathy 1JJ (CMD1JJ). Identifiers: Orphanet 154, MedGen C3808935, MONDO:0014095, OMIM 615235.

Allele frequency attached by ClinVar (database versions not stated): gnomAD exomes 0.00003 and 0.00016; gnomAD 0.00004 and 0.00007; TOPMed 0.00007; ExAC 0.00010; 1000 Genomes Project 30x 0.00062; 1000 Genomes Project 0.00080.
gnomAD v4.1: 56 of 1,612,882 alleles (0.0035%); highest among the groups gnomAD compares: East Asian, 0.11%; no homozygotes.

Submissions (4):

Labcorp Genetics (formerly Invitae), Labcorp
Classification: Likely benign for Dilated cardiomyopathy 1JJ. Last evaluated: 2025-07-25. Review status: criteria provided, single submitter. Criteria: Invitae Variant Classification Sherloc (09022015). Collection method: clinical testing. Allele origin: germline.

Revvity Omics, Revvity
Classification: Uncertain significance for Dilated cardiomyopathy 1JJ. Last evaluated: 2024-11-07. Review status: criteria provided, single submitter. Criteria: ACMG Guidelines, 2015. Collection method: clinical testing. Allele origin: germline.

Ambry Genetics
Classification: Likely benign for Cardiovascular phenotype. Last evaluated: 2021-08-28. Review status: criteria provided, single submitter. Criteria: Ambry Variant Classification Scheme 2023. Collection method: clinical testing. Allele origin: germline.

PreventionGenetics, part of Exact Sciences
Classification: Likely benign for LAMA4-related condition. Last evaluated: 2021-06-03. Review status: no assertion criteria provided. Collection method: clinical testing. Allele origin: germline. Not counted in ClinVar's aggregate classification.
Comment: This variant is classified as likely benign based on ACMG/AMP sequence variant interpretation guidelines (Richards et al. 2015 PMID: 25741868, with internal and published modifications).